The following is an entry in ClinVar:

NM_000322.5(PRPH2):c.299C>T (p.Pro100Leu)

Gene: PRPH2 (peripherin 2; minus strand). Cytogenetic location: 6p21.1.
Variant type: single nucleotide variant.
Coding change: c.299C>T on transcript NM_000322.5 (MANE Select); coding-DNA position 299, C replaced by T.
Protein change: p.Pro100Leu; replaces proline 100 with leucine.
Molecular consequence: missense variant.
Genome position (GRCh38, 1-based): chr6:42,722,036, G>A on the plus strand (C>T on the coding strand, the complement: PRPH2 is on the minus strand). VCF-style: chr6-42722036-G-A. GRCh37 (hg19) VCF-style: chr6-42689774-G-A.
Other names: short protein forms P100L.
Identifiers: ClinVar variation 1175215 (VCV001175215.11), dbSNP rs768400169, ClinGen allele CA3808639.

ClinVar aggregate classification (germline): Uncertain significance. Review status: criteria provided, multiple submitters, no conflicts (2 of 4 stars). 4 submissions from 4 submitters: Uncertain significance (3). 1 of the submissions does not count toward it. Last evaluated 2025-11-06.

Conditions:
PRPH2-related disorder. Also called: PRPH2-related condition; PRPH2-related disorders. Identifiers: MedGen CN239395.
Retinal dystrophy. Also called: Inherited retinal dystrophy. Identifiers: Orphanet 71862, MedGen C0854723, MeSH D058499, MONDO:0019118, HP:0000556.

Allele frequency attached by ClinVar (database versions not stated): ExAC 0.00001; gnomAD 0.00001; gnomAD exomes 0.00001.

Submissions (4):

Labcorp Genetics (formerly Invitae), Labcorp
Classification: Uncertain significance for PRPH2-related disorder. Last evaluated: 2025-11-06. Review status: criteria provided, single submitter. Criteria: Invitae Variant Classification Sherloc (09022015). Collection method: clinical testing. Allele origin: germline.
Comment: This sequence change replaces proline, which is neutral and non-polar, with leucine, which is neutral and non-polar, at codon 100 of the PRPH2 protein (p.Pro100Leu). This variant is present in population databases (rs768400169, gnomAD 0.006%). This missense change has been observed in individual(s) with retinitis pigmentosa (PMID: 25698705). ClinVar contains an entry for this variant (Variation ID: 1175215). Invitae Evidence Modeling of protein sequence and biophysical properties (such as structural, functional, and spatial information, amino acid conservation, physicochemical variation, residue mobility, and thermodynamic stability) has been performed for this missense variant. However, the output from this modeling did not meet the statistical confidence thresholds required to predict the impact of this variant on PRPH2 protein function. In summary, the available evidence is currently insufficient to determine the role of this variant in disease. Therefore, it has been classified as a Variant of Uncertain Significance.

Dept Of Ophthalmology, Nagoya University
Classification: Uncertain significance for Retinal dystrophy. Last evaluated: 2023-10-01. Review status: criteria provided, single submitter. Criteria: Submitter's publication. Collection method: research. Allele origin: germline. Affected: yes.

Blueprint Genetics
Classification: Uncertain significance. Last evaluated: 2020-01-15. Review status: criteria provided, single submitter. Criteria: ACMG Guidelines, 2015. Collection method: clinical testing. Allele origin: germline.

Leiden Open Variation Database
Classification: Likely benign. Last evaluated: 2021-05-14. Review status: no assertion criteria provided. Collection method: curation. Allele origin: germline. Affected: yes. Not counted in ClinVar's aggregate classification.
Comment: Curator: Global Variome, with Curator vacancy. Submitter to LOVD: LOVD.

Literature cited by the submitters: PubMed 25698705 (cited by Labcorp Genetics (formerly Invitae), Labcorp and Leiden Open Variation Database).